The following is an entry in ClinVar:

NM_025081.3(NYNRIN):c.4444C>T (p.Gln1482Ter)

Gene: NYNRIN (NYN domain and retroviral integrase containing; plus strand). Cytogenetic location: 14q12.
Variant type: single nucleotide variant.
Coding change: c.4444C>T on transcript NM_025081.3 (MANE Select); coding-DNA position 4444, C replaced by T.
Protein change: p.Gln1482Ter; replaces glutamine 1482 with a stop codon.
Molecular consequence: nonsense.
Genome position (GRCh38, 1-based): chr14:24,416,193, C>T. VCF-style: chr14-24416193-C-T. GRCh37 (hg19) VCF-style: chr14-24885399-C-T.
Other names: short protein forms Q1482*.
Identifiers: ClinVar variation 4813174 (VCV004813174.1).

ClinVar aggregate classification (germline): Uncertain significance (1 of 4 stars; one submission).

Conditions:
Predisposition to Wilms tumor.

gnomAD v4.1: 8 of 1,614,004 alleles (0.0005%); highest among the groups gnomAD compares: Non-Finnish European, 0.00068%; no homozygotes.

Submission:

St. Jude Molecular Pathology, St. Jude Children's Research Hospital
Classification: Uncertain significance for Predisposition to Wilms tumor. Last evaluated: 2026-02-20. Review status: criteria provided, single submitter. Criteria: St. Jude Assertion Criteria 2020. Collection method: clinical testing. Allele origin: germline.
Comment: The NYNRIN c.4444C>T p.(Gln1482Ter) change is a nonsense variant that is predicted to cause premature protein truncation. This variant is not predicted to result in nonsense mediated decay, however the truncated region removes greater than 10% of the protein. This variant is absent in gnomAD v2.1.1. To our knowledge, this variant has not bee n reported in individuals with Wilms tumor. In summary, the evidence currently available is insufficient to determine the clinical significance of this variant. It has therefore been classified as of uncertain significance.